The following is an entry in ClinVar:

NM_015465.5(GEMIN5):c.1081-62G>T

Gene: GEMIN5 (gem nuclear organelle associated protein 5; minus strand). Cytogenetic location: 5q33.2.
Variant type: single nucleotide variant.
Coding change: c.1081-62G>T on transcript NM_015465.5 (MANE Select); 62 bases into the intron before coding-DNA position 1081, G replaced by T.
Molecular consequence: intron variant.
Genome position (GRCh38, 1-based): chr5:154,926,136, C>A on the plus strand (G>T on the coding strand, the complement: GEMIN5 is on the minus strand). VCF-style: chr5-154926136-C-A. GRCh37 (hg19) VCF-style: chr5-154305696-C-A.
Other names: c.1078-62G>T (NM_001252156.2).
Identifiers: ClinVar variation 3776161 (VCV003776161.1).

ClinVar aggregate classification (germline): Uncertain significance (1 of 4 stars; one submission).

Conditions:
Neurodevelopmental disorder with cerebellar atrophy and motor dysfunction. Identifiers: MedGen C5543427, MONDO:0859152, OMIM 619333.

gnomAD v4.1: 71 of 1,040,522 alleles (0.0068%); highest among the groups gnomAD compares: East Asian, 0.07%; no homozygotes.

Submission:

3billion
Classification: Uncertain significance for Neurodevelopmental disorder with cerebellar atrophy and motor dysfunction. Last evaluated: 2023-08-11. Review status: criteria provided, single submitter. Criteria: ACMG Guidelines, 2015. Collection method: clinical testing. Allele origin: germline. Affected: yes.
Comment: The variant is observed at an extremely low frequency in the gnomAD v2.1.1 dataset (total allele frequency: 0.008%). Predicted Consequence/Location: Canonical splice site: predicted to alter splicing and result in a loss or disruption of normal protein function. Multiple pathogenic loss-of-function variants are reported downstream of the variant. Therefore, this variant is classified as Likely pathogenic according to the recommendation of ACMG/AMP guideline.